The following is an entry in ClinVar:

NM_000030.3(AGXT):c.777-1G>T

Gene: AGXT (alanine--glyoxylate aminotransferase; plus strand). Cytogenetic location: 2q37.3.
Variant type: single nucleotide variant.
Coding change: c.777-1G>T on transcript NM_000030.3 (MANE Select); the canonical splice acceptor site of the intron before coding-DNA position 777, G replaced by T.
Molecular consequence: splice acceptor variant.
Genome position (GRCh38, 1-based): chr2:240,875,934, G>T. VCF-style: chr2-240875934-G-T. GRCh37 (hg19) VCF-style: chr2-241815351-G-T.
Identifiers: ClinVar variation 4818044 (VCV004818044.1).

ClinVar aggregate classification (germline): Pathogenic (1 of 4 stars; one submission).

Conditions:
Primary hyperoxaluria, type I (HP1). Also called: OXALOSIS I; Primary hyperoxaluria type 1; GLYCOLIC ACIDURIA; HEPATIC AGT DEFICIENCY. Identifiers: Orphanet 416, Orphanet 93598, MedGen C0268164, MONDO:0009823, OMIM 259900. Disease mechanism: loss of function.

Submission:

Natera, Inc.
Classification: Pathogenic for Primary hyperoxaluria type I. Last evaluated: 2024-06-17. Review status: criteria provided, single submitter. Criteria: Natera Variant Classification Schema (03/2026). Collection method: clinical testing. Allele origin: germline.
Comment: The c.777-1G>T variant in AGXT is a canonical splice acceptor site variant predicted to affect pre-mRNA splicing, which may result in an abnormal transcript and altered protein product. This variant is expected to result in nonsense mediated decay, truncation, or a dysfunctional protein product. This variant is rare in the general population with a frequency below the threshold expected for the associated phenotype(s). Another variant at this same site results in an alteration predicted to cause a similar molecular effect has been observed in individual(s) with the associated phenotype. Given the available evidence, this variant is classified as Pathogenic.